The following is an entry in ClinVar:

NM_198253.3(TERT):c.1882G>A (p.Asp628Asn)

Gene: TERT (telomerase reverse transcriptase; minus strand). Cytogenetic location: 5p15.33.
Variant type: single nucleotide variant.
Coding change: c.1882G>A on transcript NM_198253.3 (MANE Select); coding-DNA position 1882, G replaced by A.
Protein change: p.Asp628Asn; replaces aspartic acid 628 with asparagine.
Molecular consequence: missense variant. On other transcripts: non-coding transcript variant (2).
Genome position (GRCh38, 1-based): chr5:1,280,226, C>T on the plus strand (G>A on the coding strand, the complement: TERT is on the minus strand). VCF-style: chr5-1280226-C-T. GRCh37 (hg19) VCF-style: chr5-1280341-C-T.
Other names: c.1882G>A, p.Asp628Asn (NM_001193376.3); short protein forms D628N.
Identifiers: ClinVar variation 471834 (VCV000471834.9), dbSNP rs1354825725, ClinGen allele CA359081555.

ClinVar aggregate classification (germline): Uncertain significance (1 of 4 stars; one submission).

Conditions:
Dyskeratosis congenita, autosomal dominant 2. Identifiers: MedGen C3151443, MONDO:0013521, OMIM 613989.
Idiopathic Pulmonary Fibrosis. Also called: Idiopathic fibrosing alveolitis, chronic form; idiopathic fibrosing alveolitis. Identifiers: Orphanet 2032, MedGen C1800706, MeSH D054990, MONDO:0800504.

Allele frequency attached by ClinVar (database versions not stated): gnomAD exomes below 0.00001.
gnomAD v4.1: 2 of 1,613,996 alleles (0.00012%); highest among the groups gnomAD compares: Non-Finnish European, 0.00017%; no homozygotes.

Submission:

Labcorp Genetics (formerly Invitae), Labcorp
Classification: Uncertain significance for Dyskeratosis congenita, autosomal dominant 2; Idiopathic Pulmonary Fibrosis. Last evaluated: 2023-09-27. Review status: criteria provided, single submitter. Criteria: Invitae Variant Classification Sherloc (09022015). Collection method: clinical testing. Allele origin: germline.
Comment: Advanced modeling of protein sequence and biophysical properties (such as structural, functional, and spatial information, amino acid conservation, physicochemical variation, residue mobility, and thermodynamic stability) performed at Invitae indicates that this missense variant is not expected to disrupt TERT protein function. ClinVar contains an entry for this variant (Variation ID: 471834). This variant has not been reported in the literature in individuals affected with TERT-related conditions. This variant is present in population databases (no rsID available, gnomAD 0.0009%). This sequence change replaces aspartic acid, which is acidic and polar, with asparagine, which is neutral and polar, at codon 628 of the TERT protein (p.Asp628Asn). In summary, the available evidence is currently insufficient to determine the role of this variant in disease. Therefore, it has been classified as a Variant of Uncertain Significance.